The following is an entry in ClinVar:

ClinVar aggregate classification (germline): Uncertain significance. Review status: criteria provided, multiple submitters, no conflicts (2 of 4 stars). 3 submissions from 3 submitters: Uncertain significance (3). Last evaluated 2024-09-11.

Conditions:
Familial isolated arrhythmogenic right ventricular dysplasia. Identifiers: Orphanet 217656, MedGen C4274968, MONDO:0016342.
Cardiovascular phenotype. Identifiers: MedGen CN230736.
Arrhythmogenic right ventricular dysplasia 11. Also called: Arrhythmogenic right ventricular dysplasia 11 with mild palmoplantar keratoderma and woolly hair; Arrhythmogenic Right Ventricular Dysplasia/Cardiomyopathy11; ARRHYTHMOGENIC RIGHT VENTRICULAR DYSPLASIA, FAMILIAL, 11. Identifiers: MedGen C1864850, MONDO:0012506, OMIM 610476.

Allele frequency attached by ClinVar (database versions not stated): gnomAD 0.00001; TOPMed 0.00002.
gnomAD v4.1: 4 of 1,613,774 alleles (0.00025%); highest among the groups gnomAD compares: Middle Eastern, 0.016%; no homozygotes.

Submissions (3):

Ambry Genetics
Classification: Uncertain significance for Cardiovascular phenotype. Last evaluated: 2024-09-11. Review status: criteria provided, single submitter. Criteria: Ambry Variant Classification Scheme 2023. Collection method: clinical testing. Allele origin: germline.

All of Us Research Program, National Institutes of Health
Classification: Uncertain significance for Familial isolated arrhythmogenic right ventricular dysplasia. Last evaluated: 2024-08-06. Review status: criteria provided, single submitter. Criteria: ACMG Guidelines, 2015. Collection method: clinical testing. Allele origin: germline. Inheritance: Autosomal dominant inheritance. Observed: 5 variant alleles, 5 heterozygotes.
Comment: This missense variant replaces threonine with serine at codon 588 of the DSC2 protein. Computational prediction suggests that this variant may not impact protein structure and function (internally defined REVEL score threshold <= 0.5, PMID: 27666373). To our knowledge, functional studies have not been reported for this variant. This variant has not been reported in individuals affected with DSC2-related disorders in the literature. This variant has not been identified in the general population by the Genome Aggregation Database (gnomAD). The available evidence is insufficient to determine the role of this variant in disease conclusively. Therefore, this variant is classified as a Variant of Uncertain Significance.

This study involves interpretation of variants in research participants for the purpose of population health screening. Participant phenotype was not available at the time of variant classification. Additional details can be found in publication PMID: 35346344, PMCID: PMC8962531

Labcorp Genetics (formerly Invitae), Labcorp
Classification: Uncertain significance for Arrhythmogenic right ventricular dysplasia 11. Last evaluated: 2023-07-25. Review status: criteria provided, single submitter. Criteria: Invitae Variant Classification Sherloc (09022015). Collection method: clinical testing. Allele origin: germline.
Comment: ClinVar contains an entry for this variant (Variation ID: 2200391). In summary, the available evidence is currently insufficient to determine the role of this variant in disease. Therefore, it has been classified as a Variant of Uncertain Significance. Advanced modeling of protein sequence and biophysical properties (such as structural, functional, and spatial information, amino acid conservation, physicochemical variation, residue mobility, and thermodynamic stability) performed at Invitae indicates that this missense variant is not expected to disrupt DSC2 protein function. This variant has not been reported in the literature in individuals affected with DSC2-related conditions. This variant is not present in population databases (gnomAD no frequency). This sequence change replaces threonine, which is neutral and polar, with serine, which is neutral and polar, at codon 588 of the DSC2 protein (p.Thr588Ser).

NM_024422.6(DSC2):c.1762A>T (p.Thr588Ser)

Gene: DSC2 (desmocollin 2; minus strand). Cytogenetic location: 18q12.1.
Variant type: single nucleotide variant.
Coding change: c.1762A>T on transcript NM_024422.6 (MANE Select); coding-DNA position 1762, A replaced by T.
Protein change: p.Thr588Ser; replaces threonine 588 with serine.
Molecular consequence: missense variant.
Genome position (GRCh38, 1-based): chr18:31,074,809, T>A on the plus strand (A>T on the coding strand, the complement: DSC2 is on the minus strand). VCF-style: chr18-31074809-T-A. GRCh37 (hg19) VCF-style: chr18-28654775-T-A.
Other names: c.1762A>T (NM_024422.3); c.1333A>T, p.Thr445Ser (NM_001406506.1, NM_001406507.1); c.1762A>T, p.Thr588Ser (NM_004949.5); short protein forms T588S, T445S.
Identifiers: ClinVar variation 2200391 (VCV002200391.7), dbSNP rs954839841, ClinGen allele CA297690882.